The following is an entry in ClinVar:

ClinVar aggregate classification (germline): Uncertain significance (1 of 4 stars; one submission).

Conditions:
Cystic fibrosis (CF). Also called: MUCOVISCIDOSIS. Identifiers: Orphanet 586, MedGen C0010674, MONDO:0009061, OMIM 219700. Disease mechanism: loss of function.

Submission:

Ambry Genetics
Classification: Uncertain significance for Cystic fibrosis. Last evaluated: 2022-12-14. Review status: criteria provided, single submitter. Criteria: Ambry Variant Classification Scheme 2023. Collection method: clinical testing. Allele origin: germline.
Comment: The p.T816P variant (also known as c.2446A>C), located in coding exon 14 of the CFTR gene, results from an A to C substitution at nucleotide position 2446. The threonine at codon 816 is replaced by proline, an amino acid with highly similar properties. This amino acid position is conserved. In addition, the in silico prediction for this alteration is inconclusive. Since supporting evidence is limited at this time, the clinical significance of this alteration remains unclear.

NM_000492.4(CFTR):c.2446A>C (p.Thr816Pro)

Gene: CFTR (CF transmembrane conductance regulator; plus strand). Cytogenetic location: 7q31.2.
Variant type: single nucleotide variant.
Coding change: c.2446A>C on transcript NM_000492.4 (MANE Select); coding-DNA position 2446, A replaced by C.
Protein change: p.Thr816Pro; replaces threonine 816 with proline.
Molecular consequence: missense variant.
Genome position (GRCh38, 1-based): chr7:117,592,613, A>C. VCF-style: chr7-117592613-A-C. GRCh37 (hg19) VCF-style: chr7-117232667-A-C.
Other names: short protein forms T816P.
Identifiers: ClinVar variation 2453625 (VCV002453625.2), dbSNP rs2485110864, ClinGen allele CA368981359.
Genomic context (GRCh38, chr7:117,592,613, plus strand): 5'-CTGGCCCCTCAGGCAAACTTGACTGAACTGGATATATATTCAAGAAGGTTATCTCAAGAA[A>C]CTGGCTTGGAAATAAGTGAAGAAATTAACGAAGAAGACTTAAAGGTAGGTATACATCGCT-3'
Protein context (NP_000483.3, residues 806-826): DIYSRRLSQE[Thr816Pro]GLEISEEINE